The following is an entry in ClinVar:

ClinVar aggregate classification (germline): Uncertain significance. Review status: criteria provided, multiple submitters, no conflicts (2 of 4 stars). 3 submissions from 3 submitters: Uncertain significance (3). Last evaluated 2025-06-03.

Conditions:
Hereditary cancer-predisposing syndrome. Also called: Neoplastic Syndromes, Hereditary; Tumor predisposition; Hereditary Cancer Syndrome; Hereditary neoplastic syndrome. Identifiers: Orphanet 140162, MedGen C0027672, MeSH D009386, MONDO:0015356.

Submissions (3):

Ambry Genetics
Classification: Uncertain significance for Hereditary cancer-predisposing syndrome. Last evaluated: 2025-06-03. Review status: criteria provided, single submitter. Criteria: Ambry Variant Classification Scheme 2023. Collection method: clinical testing. Allele origin: germline.
Comment: The p.V419A variant (also known as c.1256T>C), located in coding exon 13 of the POLE gene, results from a T to C substitution at nucleotide position 1256. The valine at codon 419 is replaced by alanine, an amino acid with similar properties. This amino acid position is conserved. In addition, the in silico prediction for this alteration is inconclusive. Based on the available evidence, the clinical significance of this variant remains unclear.

Quest Diagnostics Nichols Institute San Juan Capistrano
Classification: Uncertain significance. Last evaluated: 2022-10-25. Review status: criteria provided, single submitter. Criteria: Quest Diagnostics criteria. Collection method: clinical testing. Allele origin: unknown.
Comment: To the best of our knowledge, the variant has not been reported in the published literature. It also has not been reported in large, multi-ethnic general populations. Analysis of this variant using bioinformatics tools for the prediction of the effect of amino acid changes on protein structure and function yielded predictions that this variant is damaging. Based on the available information, we are unable to determine the clinical significance of this variant.

Labcorp Genetics (formerly Invitae), Labcorp
Classification: Uncertain significance. Last evaluated: 2022-02-24. Review status: criteria provided, single submitter. Criteria: Invitae Variant Classification Sherloc (09022015). Collection method: clinical testing. Allele origin: germline.
Comment: This sequence change replaces valine, which is neutral and non-polar, with alanine, which is neutral and non-polar, at codon 419 of the POLE protein (p.Val419Ala). In summary, the available evidence is currently insufficient to determine the role of this variant in disease. Therefore, it has been classified as a Variant of Uncertain Significance. Algorithms developed to predict the effect of missense changes on protein structure and function are either unavailable or do not agree on the potential impact of this missense change (SIFT: "Tolerated"; PolyPhen-2: "Probably Damaging"; Align-GVGD: "Class C0"). This variant has not been reported in the literature in individuals affected with POLE-related conditions. This variant is not present in population databases (gnomAD no frequency).

NM_006231.4(POLE):c.1256T>C (p.Val419Ala)

Gene: POLE (DNA polymerase epsilon, catalytic subunit; minus strand). Cytogenetic location: 12q24.33.
Variant type: single nucleotide variant.
Coding change: c.1256T>C on transcript NM_006231.4 (MANE Select); coding-DNA position 1256, T replaced by C.
Protein change: p.Val419Ala; replaces valine 419 with alanine.
Molecular consequence: missense variant.
Genome position (GRCh38, 1-based): chr12:132,673,678, A>G on the plus strand (T>C on the coding strand, the complement: POLE is on the minus strand). VCF-style: chr12-132673678-A-G. GRCh37 (hg19) VCF-style: chr12-133250264-A-G.
Other names: c.1256T>C (NM_006231.2); short protein forms V419A.
Identifiers: ClinVar variation 2118159 (VCV002118159.6), dbSNP rs2136000487, ClinGen allele CA387359617.
Genomic context (GRCh38, chr12:132,673,678, plus strand): 5'-AGCTCCACGGGATCATAGCCTAGCTTGGCCTTGGCGGCCGCCTTGAGATTATGACTGCCC[A>G]CAGGAAGGTAACTGTCCCTCTTCACCCACCTGGAAGGAGAATGAGAACAGAAGCCAGGAT-3'
Protein context (NP_006222.2, residues 409-429): RWVKRDSYLP[Val419Ala]GSHNLKAAAK